The following is an entry in ClinVar:

ClinVar aggregate classification (germline): Benign/Likely benign. Review status: criteria provided, multiple submitters, no conflicts (2 of 4 stars). 3 submissions from 3 submitters: Benign (1); Likely benign (2). Last evaluated 2025-03-10.

Conditions:
Pheochromocytoma/paraganglioma syndrome 5. Also called: Paragangliomas 5; SDHA-Related Hereditary Paraganglioma-Pheochromocytoma Syndrome. Identifiers: Orphanet 29072, MedGen C3279992, MONDO:0013602, OMIM 614165.
Mitochondrial complex II deficiency, nuclear type 1. Also called: SUCCINATE CoQ REDUCTASE DEFICIENCY. Identifiers: Orphanet 3208, MedGen C5700310, MONDO:0100294, OMIM 252011.
Hereditary cancer-predisposing syndrome. Also called: Tumor predisposition; Neoplastic Syndromes, Hereditary; Hereditary Cancer Syndrome; Hereditary neoplastic syndrome. Identifiers: Orphanet 140162, MedGen C0027672, MeSH D009386, MONDO:0015356.

Allele frequency attached by ClinVar (database versions not stated): TOPMed 0.00001.

Submissions (3):

Myriad Genetics, Inc.
Classification: Benign for Pheochromocytoma/paraganglioma syndrome 5. Last evaluated: 2025-03-10. Review status: criteria provided, single submitter. Criteria: Myriad Autosomal Dominant, Autosomal Recessive and X-Linked Classification Criteria (2023). Collection method: clinical testing. Allele origin: unknown.
Comment: This variant is considered benign. This variant is a silent/synonymous amino acid change and it is not expected to impact splicing.

Labcorp Genetics (formerly Invitae), Labcorp
Classification: Likely benign for Pheochromocytoma/paraganglioma syndrome 5; Mitochondrial complex II deficiency, nuclear type 1. Last evaluated: 2024-09-28. Review status: criteria provided, single submitter. Criteria: Invitae Variant Classification Sherloc (09022015). Collection method: clinical testing. Allele origin: germline.

Ambry Genetics
Classification: Likely benign for Hereditary cancer-predisposing syndrome. Last evaluated: 2023-05-02. Review status: criteria provided, single submitter. Criteria: Ambry Variant Classification Scheme 2023. Collection method: clinical testing. Allele origin: germline.

NM_004168.4(SDHA):c.1650G>A (p.Lys550=)

Gene: SDHA (succinate dehydrogenase complex flavoprotein subunit A; plus strand). Cytogenetic location: 5p15.33.
Variant type: single nucleotide variant.
Coding change: c.1650G>A on transcript NM_004168.4 (MANE Select); coding-DNA position 1650, G replaced by A.
Protein change: p.Lys550=; no amino-acid change (lysine 550 retained).
Molecular consequence: synonymous variant. On other transcripts: intron variant (1).
Genome position (GRCh38, 1-based): chr5:251,090, G>A. VCF-style: chr5-251090-G-A. GRCh37 (hg19) VCF-style: chr5-251205-G-A.
Other names: c.1506G>A, p.Lys502= (NM_001294332.2); c.1552-3303G>A (NM_001330758.2); c.1650G>A (NM_004168.2).
Identifiers: ClinVar variation 1099993 (VCV001099993.12), dbSNP rs1359705251, ClinGen allele CA442657311.